The following is an entry in ClinVar:

NM_001330078.2(NRXN1):c.609G>C (p.Lys203Asn)

Gene: NRXN1 (neurexin 1; minus strand). Cytogenetic location: 2p16.3.
Variant type: single nucleotide variant.
Coding change: c.609G>C on transcript NM_001330078.2 (MANE Select); coding-DNA position 609, G replaced by C.
Protein change: p.Lys203Asn; replaces lysine 203 with asparagine.
Molecular consequence: missense variant.
Genome position (GRCh38, 1-based): chr2:51,027,665, C>G on the plus strand (G>C on the coding strand, the complement: NRXN1 is on the minus strand). VCF-style: chr2-51027665-C-G. GRCh37 (hg19) VCF-style: chr2-51254803-C-G.
Other names: c.609G>C, p.Lys203Asn (NM_001135659.3, NM_001330077.2, NM_001330079.2 and 15 more transcripts); short protein forms K203N.
Identifiers: ClinVar variation 282941 (VCV000282941.13), dbSNP rs759842391, ClinGen allele CA1655448.

ClinVar aggregate classification (germline): Uncertain significance. Review status: criteria provided, multiple submitters, no conflicts (2 of 4 stars). 3 submissions from 3 submitters: Uncertain significance (3). Last evaluated 2025-08-29.

Conditions:
Pitt-Hopkins-like syndrome 2 (PTHSL2). Identifiers: Orphanet 221150, Orphanet 600663, MedGen C3280479, MONDO:0013690, OMIM 614325.
Inborn genetic diseases. Identifiers: MedGen C0950123, MeSH D030342.

Allele frequency attached by ClinVar (database versions not stated): TOPMed 0.00001; gnomAD 0.00002; gnomAD exomes 0.00003 and 0.00004; ExAC 0.00006.
gnomAD v4.1: 50 of 1,602,344 alleles (0.0031%); highest among the groups gnomAD compares: Non-Finnish European, 0.0041%; no homozygotes.

Submissions (3):

Ambry Genetics
Classification: Uncertain significance for Inborn genetic diseases. Last evaluated: 2025-08-29. Review status: criteria provided, single submitter. Criteria: Ambry Variant Classification Scheme 2023. Collection method: clinical testing. Allele origin: germline.

Labcorp Genetics (formerly Invitae), Labcorp
Classification: Uncertain significance for Pitt-Hopkins-like syndrome 2. Last evaluated: 2022-09-12. Review status: criteria provided, single submitter. Criteria: Invitae Variant Classification Sherloc (09022015). Collection method: clinical testing. Allele origin: germline.
Comment: In summary, the available evidence is currently insufficient to determine the role of this variant in disease. Therefore, it has been classified as a Variant of Uncertain Significance. Algorithms developed to predict the effect of missense changes on protein structure and function are either unavailable or do not agree on the potential impact of this missense change (SIFT: "Deleterious"; PolyPhen-2: "Benign"; Align-GVGD: "Class C0"). ClinVar contains an entry for this variant (Variation ID: 282941). This variant has not been reported in the literature in individuals affected with NRXN1-related conditions. This variant is present in population databases (rs759842391, gnomAD 0.009%). This sequence change replaces lysine, which is basic and polar, with asparagine, which is neutral and polar, at codon 203 of the NRXN1 protein (p.Lys203Asn).

Eurofins Ntd Llc (ga)
Classification: Uncertain significance. Last evaluated: 2015-09-10. Review status: criteria provided, single submitter. Criteria: EGL Classification Definitions 2015. Collection method: clinical testing. Allele origin: germline. Observed: 1 variant allele, 1 heterozygote.